The following is an entry in ClinVar:

ClinVar aggregate classification (germline): Uncertain significance (1 of 4 stars; one submission).

Conditions:
Familial hemophagocytic lymphohistiocytosis 2 (FHL2). Also called: PRF1-Related Familial Hemophagocytic Lymphohistiocytosis (PRF1-fHLH). Identifiers: Orphanet 540, MedGen C1863727, MONDO:0011337, OMIM 603553.

Allele frequency attached by ClinVar (database versions not stated): TOPMed below 0.00001; gnomAD 0.00001; gnomAD exomes 0.00002.

Submission:

Labcorp Genetics (formerly Invitae), Labcorp
Classification: Uncertain significance for Familial hemophagocytic lymphohistiocytosis 2. Last evaluated: 2022-08-16. Review status: criteria provided, single submitter. Criteria: Invitae Variant Classification Sherloc (09022015). Collection method: clinical testing. Allele origin: germline.
Comment: In summary, the available evidence is currently insufficient to determine the role of this variant in disease. Therefore, it has been classified as a Variant of Uncertain Significance. Algorithms developed to predict the effect of missense changes on protein structure and function are either unavailable or do not agree on the potential impact of this missense change (SIFT: "Tolerated"; PolyPhen-2: "Probably Damaging"; Align-GVGD: "Class C0"). ClinVar contains an entry for this variant (Variation ID: 1345529). This variant has not been reported in the literature in individuals affected with PRF1-related conditions. This variant is not present in population databases (gnomAD no frequency). This sequence change replaces histidine, which is basic and polar, with asparagine, which is neutral and polar, at codon 347 of the PRF1 protein (p.His347Asn).

NM_001083116.3(PRF1):c.1039C>A (p.His347Asn)

Gene: PRF1 (perforin 1; minus strand). Cytogenetic location: 10q22.1.
Variant type: single nucleotide variant.
Coding change: c.1039C>A on transcript NM_001083116.3 (MANE Select); coding-DNA position 1039, C replaced by A.
Protein change: p.His347Asn; replaces histidine 347 with asparagine.
Molecular consequence: missense variant.
Genome position (GRCh38, 1-based): chr10:70,598,682, G>T on the plus strand (C>A on the coding strand, the complement: PRF1 is on the minus strand). VCF-style: chr10-70598682-G-T. GRCh37 (hg19) VCF-style: chr10-72358438-G-T.
Other names: c.1039C>A, p.His347Asn (NM_005041.6); short protein forms H347N.
Identifiers: ClinVar variation 1345529 (VCV001345529.8), dbSNP rs556996220, ClinGen allele CA376957451.